The following is an entry in ClinVar:

ClinVar aggregate classification (germline): Uncertain significance. Review status: criteria provided, multiple submitters, no conflicts (2 of 4 stars). 5 submissions from 5 submitters: Uncertain significance (5). Last evaluated 2025-07-11.

Conditions:
Familial hypokalemia-hypomagnesemia (GTLMNS). Also called: HYPOMAGNESEMIA-HYPOKALEMIA, PRIMARY RENOTUBULAR, WITH HYPOCALCIURIA; POTASSIUM AND MAGNESIUM DEPLETION; gitelman syndrome. Identifiers: Orphanet 358, MedGen C0268450, MONDO:0009904, OMIM 263800.
SLC12A3-related disorder. Also called: SLC12A3-related condition.

Allele frequency attached by ClinVar (database versions not stated): ESP Exome Variant Server 0.00023.
gnomAD v4.1: 369 of 1,609,398 alleles (0.023%); highest among the groups gnomAD compares: Non-Finnish European, 0.03%; no homozygotes.

Submissions (5):

PreventionGenetics, part of Exact Sciences
Classification: Uncertain significance for SLC12A3-related condition. Last evaluated: 2025-07-11. Review status: criteria provided, single submitter. Criteria: ACMG Guidelines, 2015. Collection method: clinical testing. Allele origin: germline.
Comment: The SLC12A3 c.2273T>C variant is predicted to result in the amino acid substitution p.Ile758Thr. To our knowledge, this variant has not been reported in the literature. This variant is reported in 0.037% of alleles in individuals of European (Non-Finnish) descent in gnomAD. At this time, the clinical significance of this variant is uncertain due to the absence of conclusive functional and genetic evidence.

Fulgent Genetics
Classification: Uncertain significance for Familial hypokalemia-hypomagnesemia. Last evaluated: 2024-03-04. Review status: criteria provided, single submitter. Criteria: ACMG Guidelines, 2015. Collection method: clinical testing. Allele origin: germline.

Labcorp Genetics (formerly Invitae), Labcorp
Classification: Uncertain significance. Last evaluated: 2022-07-16. Review status: criteria provided, single submitter. Criteria: Invitae Variant Classification Sherloc (09022015). Collection method: clinical testing. Allele origin: germline.
Comment: This sequence change replaces isoleucine, which is neutral and non-polar, with threonine, which is neutral and polar, at codon 758 of the SLC12A3 protein (p.Ile758Thr). This variant is present in population databases (rs61730207, gnomAD 0.04%). This variant has not been reported in the literature in individuals affected with SLC12A3-related conditions. ClinVar contains an entry for this variant (Variation ID: 1343265). Advanced modeling of protein sequence and biophysical properties (such as structural, functional, and spatial information, amino acid conservation, physicochemical variation, residue mobility, and thermodynamic stability) performed at Invitae indicates that this missense variant is not expected to disrupt SLC12A3 protein function. In summary, the available evidence is currently insufficient to determine the role of this variant in disease. Therefore, it has been classified as a Variant of Uncertain Significance.

Revvity Omics, Revvity
Classification: Uncertain significance for Familial hypokalemia-hypomagnesemia. Last evaluated: 2022-04-21. Review status: criteria provided, single submitter. Criteria: ACMG Guidelines, 2015. Collection method: clinical testing. Allele origin: germline.

Institute of Human Genetics, Clinical Exome/Genome Diagnostics Group, University Hospital Bonn
Classification: Uncertain significance for Familial hypokalemia-hypomagnesemia. Last evaluated: 2021-11-11. Review status: criteria provided, single submitter. Criteria: ACMG Guidelines, 2015. Collection method: clinical testing. Allele origin: inherited. Affected: yes.
Comment: PP2

NM_001126108.2(SLC12A3):c.2273T>C (p.Ile758Thr)

Gene: SLC12A3 (solute carrier family 12 member 3; plus strand). Cytogenetic location: 16q13.
Variant type: single nucleotide variant.
Coding change: c.2273T>C on transcript NM_001126108.2 (MANE Select); coding-DNA position 2273, T replaced by C.
Protein change: p.Ile758Thr; replaces isoleucine 758 with threonine.
Molecular consequence: missense variant.
Genome position (GRCh38, 1-based): chr16:56,888,019, T>C. VCF-style: chr16-56888019-T-C. GRCh37 (hg19) VCF-style: chr16-56921931-T-C.
Other names: c.2273T>C, p.Ile758Thr (NM_000339.3); c.2270T>C, p.Ile757Thr (NM_001126107.2); c.2273T>C (NM_000339.2); short protein forms I757T, I758T.
Identifiers: ClinVar variation 1343265 (VCV001343265.8), dbSNP rs61730207, ClinGen allele CA8069804.